The following is an entry in ClinVar:

NM_014874.4(MFN2):c.479T>C (p.Val160Ala)

Gene: MFN2 (mitofusin 2; plus strand). Cytogenetic location: 1p36.22.
Variant type: single nucleotide variant.
Coding change: c.479T>C on transcript NM_014874.4 (MANE Select); coding-DNA position 479, T replaced by C.
Protein change: p.Val160Ala; replaces valine 160 with alanine.
Molecular consequence: missense variant.
Genome position (GRCh38, 1-based): chr1:11,997,301, T>C. VCF-style: chr1-11997301-T-C. GRCh37 (hg19) VCF-style: chr1-12057358-T-C.
Other names: c.479T>C, p.Val160Ala (NM_001127660.2); short protein forms V160A.
Identifiers: ClinVar variation 851848 (VCV000851848.10), dbSNP rs879253861, ClinGen allele CA338436191.
Genomic context (GRCh38, chr1:11,997,301, plus strand): 5'-ATCTCCTGGCCTGGTGGTTCCTCCTCAGCCTCTTTCTTTCCTTCCTCTGCCATCAGACTG[T>C]GAACCAGCTGGCCCATGCCCTCCACCAGGACAAGCAGCTCCATGCCGGCAGCCTAGTGAG-3'
Protein context (NP_055689.1, residues 150-170): GSEEKRSAKT[Val160Ala]NQLAHALHQD

ClinVar aggregate classification (germline): Uncertain significance. Review status: criteria provided, multiple submitters, no conflicts (2 of 4 stars). 2 submissions from 2 submitters: Uncertain significance (2). Last evaluated 2026-06-17.

Conditions:
MFN2-related disorder. Also called: MFN2-related disorders; MFN2-related condition.
Charcot-Marie-Tooth disease type 2. Also called: Charcot-Marie-Tooth type 2. Identifiers: Orphanet 64746, MedGen C0270914, MONDO:0018993.

Submissions (2):

PreventionGenetics, part of Exact Sciences
Classification: Uncertain significance for MFN2-related condition. Last evaluated: 2026-06-17. Review status: criteria provided, single submitter. Criteria: ACMG Guidelines, 2015. Collection method: clinical testing. Allele origin: germline.
Comment: The MFN2 c.479T>C variant is predicted to result in the amino acid substitution p.Val160Ala. To our knowledge, this variant has not been reported in the literature or in a large population database (gnomAD), indicating this variant is rare. An different nucleotide change affecting the same amino acid (c.479T>G, p.Val160Gly) has been reported in an individual with Charcot-Marie-Tooth disease (Gonzaga-Jauregui et al. 2015. PubMed ID: 26257172). At this time, the clinical significance of this variant is uncertain due to the absence of conclusive functional and genetic evidence.

Labcorp Genetics (formerly Invitae), Labcorp
Classification: Uncertain significance for Charcot-Marie-Tooth disease type 2. Last evaluated: 2019-11-07. Review status: criteria provided, single submitter. Criteria: Invitae Variant Classification Sherloc (09022015). Collection method: clinical testing. Allele origin: germline.
Comment: This sequence change replaces valine with alanine at codon 160 of the MFN2 protein (p.Val160Ala). The valine residue is highly conserved and there is a small physicochemical difference between valine and alanine. This variant is not present in population databases (ExAC no frequency). This variant has not been reported in the literature in individuals with MFN2-related conditions. Algorithms developed to predict the effect of missense changes on protein structure and function (SIFT, PolyPhen-2, Align-GVGD) all suggest that this variant is likely to be disruptive, but these predictions have not been confirmed by published functional studies and their clinical significance is uncertain. In summary, the available evidence is currently insufficient to determine the role of this variant in disease. Therefore, it has been classified as a Variant of Uncertain Significance.